The following is an entry in ClinVar:

NM_030667.3(PTPRO):c.2748-12T>C

Gene: PTPRO (protein tyrosine phosphatase receptor type O; plus strand). Cytogenetic location: 12p12.3.
Variant type: single nucleotide variant.
Coding change: c.2748-12T>C on transcript NM_030667.3 (MANE Select); 12 bases into the intron before coding-DNA position 2748, T replaced by C.
Molecular consequence: intron variant.
Genome position (GRCh38, 1-based): chr12:15,569,405, T>C. VCF-style: chr12-15569405-T-C. GRCh37 (hg19) VCF-style: chr12-15722339-T-C.
Other names: c.2664-12T>C (NM_002848.4); c.315-12T>C (NM_030671.3, NM_030669.3); c.231-12T>C (NM_030670.3, NM_030668.3).
Identifiers: ClinVar variation 1915859 (VCV001915859.5), dbSNP rs1452416875, ClinGen allele CA603530660.

ClinVar aggregate classification (germline): Uncertain significance (1 of 4 stars; one submission).

Allele frequency attached by ClinVar (database versions not stated): gnomAD exomes below 0.00001; TOPMed below 0.00001.
gnomAD v4.1: 3 of 1,602,078 alleles (0.00019%); highest among the groups gnomAD compares: Non-Finnish European, 0.00026%; no homozygotes.

Submission:

Labcorp Genetics (formerly Invitae), Labcorp
Classification: Uncertain significance. Last evaluated: 2022-02-20. Review status: criteria provided, single submitter. Criteria: Invitae Variant Classification Sherloc (09022015). Collection method: clinical testing. Allele origin: germline.
Comment: In summary, the available evidence is currently insufficient to determine the role of this variant in disease. Therefore, it has been classified as a Variant of Uncertain Significance. Algorithms developed to predict the effect of sequence changes on RNA splicing suggest that this variant may disrupt the consensus splice site. This variant has not been reported in the literature in individuals affected with PTPRO-related conditions. This variant is present in population databases (no rsID available, gnomAD 0.002%). This sequence change falls in intron 18 of the PTPRO gene. It does not directly change the encoded amino acid sequence of the PTPRO protein.